The following is an entry in ClinVar:

ClinVar aggregate classification (germline): Likely benign (0 of 4 stars; one submission).

Conditions:
SLC7A7-related disorder. Also called: SLC7A7-related condition.

Allele frequency attached by ClinVar (database versions not stated): ExAC 0.00002; gnomAD exomes 0.00002; TOPMed 0.00002.

Submission:

PreventionGenetics, part of Exact Sciences
Classification: Likely benign for SLC7A7-related condition. Last evaluated: 2019-10-02. Review status: no assertion criteria provided. Collection method: clinical testing. Allele origin: germline.
Comment: This variant is classified as likely benign based on ACMG/AMP sequence variant interpretation guidelines (Richards et al. 2015 PMID: 25741868, with internal and published modifications).

NM_003982.4(SLC7A7):c.625+3A>G

Gene: SLC7A7 (solute carrier family 7 member 7; minus strand). Cytogenetic location: 14q11.2.
Variant type: single nucleotide variant.
Coding change: c.625+3A>G on transcript NM_003982.4 (MANE Select); 3 bases into the intron after coding-DNA position 625, A replaced by G.
Molecular consequence: intron variant.
Genome position (GRCh38, 1-based): chr14:22,779,923, T>C on the plus strand (A>G on the coding strand, the complement: SLC7A7 is on the minus strand). VCF-style: chr14-22779923-T-C. GRCh37 (hg19) VCF-style: chr14-23249132-T-C.
Other names: c.625+3A>G (NM_001126106.4, NM_001126105.3).
Identifiers: ClinVar variation 3040613 (VCV003040613.2), dbSNP rs762729492, ClinGen allele CA7104653.
Genomic context (GRCh38, chr14:22,779,923, plus strand): 5'-AGAGGAGTGCGGCTCACAGAAAATGCTTAAAAAAGATTAGTTGCTACTAATATTATTTCT[T>C]ACCCTGGCCAAGTCTAACAATGCCTGCAACGATGACCGCGATCAGTGCCAATACTTTAGC-3'